The following is an entry in ClinVar:

NM_000551.4(VHL):c.73C>G (p.Pro25Ala)

Gene: VHL (von Hippel-Lindau tumor suppressor; plus strand). Cytogenetic location: 3p25.3.
Variant type: single nucleotide variant.
Coding change: c.73C>G on transcript NM_000551.4 (MANE Select); coding-DNA position 73, C replaced by G.
Protein change: p.Pro25Ala; replaces proline 25 with alanine.
Molecular consequence: missense variant.
Genome position (GRCh38, 1-based): chr3:10,141,920, C>G. VCF-style: chr3-10141920-C-G. GRCh37 (hg19) VCF-style: chr3-10183604-C-G.
Other names: c.73C>G, p.Pro25Ala (NM_001354723.2, NM_198156.3); short protein forms P25A.
Identifiers: ClinVar variation 411976 (VCV000411976.13), dbSNP rs745338799, ClinGen allele CA042053.

ClinVar aggregate classification (germline): Uncertain significance. Review status: criteria provided, multiple submitters, no conflicts (2 of 4 stars). 3 submissions from 3 submitters: Uncertain significance (3). Last evaluated 2025-01-11.

Conditions:
Hereditary cancer-predisposing syndrome. Also called: Hereditary neoplastic syndrome; Neoplastic Syndromes, Hereditary; Tumor predisposition; Hereditary Cancer Syndrome. Identifiers: Orphanet 140162, MedGen C0027672, MeSH D009386, MONDO:0015356.
Von Hippel-Lindau syndrome (VHLS). Also called: Von Hippel-Lindau; VHL syndrome; von Hippel–Lindau syndrome. Identifiers: Orphanet 892, MedGen C0019562, MONDO:0008667, OMIM 193300. Disease mechanism: loss of function.
Chuvash polycythemia. Also called: POLYCYTHEMIA, VHL-DEPENDENT. Identifiers: Orphanet 238557, MedGen C1837915, MONDO:0009892, OMIM 263400.

Allele frequency attached by ClinVar (database versions not stated): ExAC below 0.00001; gnomAD 0.00001; gnomAD exomes 0.00002.
gnomAD v4.1: 22 of 1,539,448 alleles (0.0014%); highest among the groups gnomAD compares: Admixed American, 0.002%; no homozygotes.

Submissions (3):

Labcorp Genetics (formerly Invitae), Labcorp
Classification: Uncertain significance for Von Hippel-Lindau syndrome; Chuvash polycythemia. Last evaluated: 2025-01-11. Review status: criteria provided, single submitter. Criteria: Invitae Variant Classification Sherloc (09022015). Collection method: clinical testing. Allele origin: germline.
Comment: This sequence change replaces proline, which is neutral and non-polar, with alanine, which is neutral and non-polar, at codon 25 of the VHL protein (p.Pro25Ala). This variant is not present in population databases (gnomAD no frequency). This variant has not been reported in the literature in individuals affected with VHL-related conditions. ClinVar contains an entry for this variant (Variation ID: 411976). Invitae Evidence Modeling of protein sequence and biophysical properties (such as structural, functional, and spatial information, amino acid conservation, physicochemical variation, residue mobility, and thermodynamic stability) indicates that this missense variant is not expected to disrupt VHL protein function with a negative predictive value of 95%. In summary, the available evidence is currently insufficient to determine the role of this variant in disease. Therefore, it has been classified as a Variant of Uncertain Significance.

Women's Health and Genetics/Laboratory Corporation of America, LabCorp
Classification: Uncertain significance. Last evaluated: 2024-07-12. Review status: criteria provided, single submitter. Criteria: LabCorp Variant Classification Summary - May 2015. Collection method: clinical testing. Allele origin: germline.
Comment: Variant summary: VHL c.73C>G (p.Pro25Ala) results in a non-conservative amino acid change in the encoded protein sequence. Three of five in-silico tools predict a benign effect of the variant on protein function. The frequency data for this variant in gnomAD is considered unreliable, as metrics indicate poor data quality at this position. To our knowledge, no occurrence of c.73C>G in individuals affected with Congenital Polycythemia and no experimental evidence demonstrating its impact on protein function have been reported. ClinVar contains an entry for this variant (Variation ID: 411976). Based on the evidence outlined above, the variant was classified as uncertain significance.

Ambry Genetics
Classification: Uncertain significance for Hereditary cancer-predisposing syndrome. Last evaluated: 2024-06-21. Review status: criteria provided, single submitter. Criteria: Ambry Variant Classification Scheme 2023. Collection method: clinical testing. Allele origin: germline.
Comment: The p.P25A variant (also known as c.73C>G), located in coding exon 1 of the VHL gene, results from a C to G substitution at nucleotide position 73. The proline at codon 25 is replaced by alanine, an amino acid with highly similar properties. This amino acid position is not conserved on limited sequence alignment. In addition, this alteration is predicted to be tolerated by in silico analysis. Since supporting evidence is limited at this time, the clinical significance of this alteration remains unclear.